The following is an entry in ClinVar:

NM_000540.3(RYR1):c.166-15C>A

Gene: RYR1 (ryanodine receptor 1; plus strand). Cytogenetic location: 19q13.2.
Variant type: single nucleotide variant.
Coding change: c.166-15C>A on transcript NM_000540.3 (MANE Select); 15 bases into the intron before coding-DNA position 166, C replaced by A.
Molecular consequence: intron variant.
Genome position (GRCh38, 1-based): chr19:38,442,334, C>A. VCF-style: chr19-38442334-C-A. GRCh37 (hg19) VCF-style: chr19-38932974-C-A.
Other names: c.166-15C>A (NM_001042723.2).
Identifiers: ClinVar variation 2196191 (VCV002196191.6), dbSNP rs943405475, ClinGen allele CA308110065.

ClinVar aggregate classification (germline): Likely benign. Review status: criteria provided, multiple submitters, no conflicts (2 of 4 stars). 3 submissions from 3 submitters: Likely benign (3). Last evaluated 2025-12-03.

Conditions:
RYR1-related disorder. Also called: RYR1-related disorders; RYR1-related condition. Identifiers: MedGen CN239331.
Malignant hyperthermia, susceptibility to, 1 (MHS1). Also called: RYR1-Related Malignant Hyperthermia Susceptibility; Malignant hyperthermia suceptibility 1; Anesthesia related hyperthermia; Malignant hyperpyrexia; Fulminating hyperpyrexia; Pharmacogenic myopathy. Identifiers: Orphanet 423, MedGen C2930980, MONDO:0007783, OMIM 145600.

Allele frequency attached by ClinVar (database versions not stated): gnomAD 0.00002.
gnomAD v4.1: 6 of 1,571,852 alleles (0.00038%); highest among the groups gnomAD compares: Non-Finnish European, 0.00053%; no homozygotes.

Submissions (3):

Labcorp Genetics (formerly Invitae), Labcorp
Classification: Likely benign for RYR1-related disorder. Last evaluated: 2025-12-03. Review status: criteria provided, single submitter. Criteria: Invitae Variant Classification Sherloc (09022015). Collection method: clinical testing. Allele origin: germline.

All of Us Research Program, National Institutes of Health
Classification: Likely benign for Malignant hyperthermia, susceptibility to, 1. Last evaluated: 2024-07-20. Review status: criteria provided, single submitter. Criteria: ACMG Guidelines, 2015. Collection method: clinical testing. Allele origin: germline. Inheritance: Autosomal dominant inheritance. Observed: 5 variant alleles, 5 heterozygotes.
Comment: This study involves interpretation of variants in research participants for the purpose of population health screening. Participant phenotype was not available at the time of variant classification. Additional details can be found in publication PMID: 35346344, PMCID: PMC8962531

Color Diagnostics, LLC DBA Color Health
Classification: Likely benign for Malignant hyperthermia, susceptibility to, 1. Last evaluated: 2024-07-10. Review status: criteria provided, single submitter. Criteria: ACMG Guidelines, 2015. Collection method: clinical testing. Allele origin: germline.